The following is an entry in ClinVar:

ClinVar aggregate classification (germline): Uncertain significance (1 of 4 stars; one submission).

Conditions:
LAMA2-related muscular dystrophy (LAMA2-RD). Also called: Laminin alpha 2-related dystrophy. Identifiers: MedGen C5679788, MONDO:0100228.

Allele frequency attached by ClinVar (database versions not stated): TOPMed below 0.00001; gnomAD 0.00002 and 0.00003.
gnomAD v4.1: 6 of 1,613,898 alleles (0.00037%); highest among the groups gnomAD compares: Admixed American, 0.005%; no homozygotes.

Submission:

Labcorp Genetics (formerly Invitae), Labcorp
Classification: Uncertain significance for LAMA2-related muscular dystrophy. Last evaluated: 2022-08-22. Review status: criteria provided, single submitter. Criteria: Invitae Variant Classification Sherloc (09022015). Collection method: clinical testing. Allele origin: germline.
Comment: This sequence change replaces glycine, which is neutral and non-polar, with valine, which is neutral and non-polar, at codon 963 of the LAMA2 protein (p.Gly963Val). This variant is present in population databases (rs769611474, gnomAD 0.004%). This variant has not been reported in the literature in individuals affected with LAMA2-related conditions. ClinVar contains an entry for this variant (Variation ID: 652252). Advanced modeling of protein sequence and biophysical properties (such as structural, functional, and spatial information, amino acid conservation, physicochemical variation, residue mobility, and thermodynamic stability) performed at Invitae indicates that this missense variant is not expected to disrupt LAMA2 protein function. Algorithms developed to predict the effect of sequence changes on RNA splicing suggest that this variant may create or strengthen a splice site. In summary, the available evidence is currently insufficient to determine the role of this variant in disease. Therefore, it has been classified as a Variant of Uncertain Significance.

NM_000426.4(LAMA2):c.2888G>T (p.Gly963Val)

Gene: LAMA2 (laminin subunit alpha 2; plus strand). Cytogenetic location: 6q22.33.
Variant type: single nucleotide variant.
Coding change: c.2888G>T on transcript NM_000426.4 (MANE Select); coding-DNA position 2888, G replaced by T.
Protein change: p.Gly963Val; replaces glycine 963 with valine.
Molecular consequence: missense variant.
Genome position (GRCh38, 1-based): chr6:129,297,716, G>T. VCF-style: chr6-129297716-G-T. GRCh37 (hg19) VCF-style: chr6-129618861-G-T.
Other names: c.2888G>T, p.Gly963Val (NM_001079823.2); short protein forms G963V.
Identifiers: ClinVar variation 652252 (VCV000652252.8), dbSNP rs769611474, ClinGen allele CA3993102.